The following is an entry in ClinVar:

ClinVar aggregate classification (germline): Benign. Review status: criteria provided, multiple submitters, no conflicts (2 of 4 stars). 5 submissions from 5 submitters: Benign (4). 1 of the submissions does not count toward it. Last evaluated 2026-01-04.

Conditions:
Focal segmental glomerulosclerosis 5 (FSGS5). Identifiers: Orphanet 656, MedGen C2750475, MONDO:0013191, OMIM 613237.
Charcot-Marie-Tooth disease dominant intermediate E. Also called: CHARCOT-MARIE-TOOTH NEUROPATHY WITH FOCAL SEGMENTAL GLOMERULONEPHRITIS. Identifiers: Orphanet 93114, MedGen C4302667, MONDO:0013758, OMIM 614455.
INF2-related disorder. Also called: INF2-related condition.

Allele frequency attached by ClinVar (database versions not stated): gnomAD exomes 0.00017 and 0.00043; ExAC 0.00061; ESP Exome Variant Server 0.00148; 1000 Genomes Project 30x 0.00172; 1000 Genomes Project 0.00180; gnomAD 0.00201 and 0.00213; TOPMed 0.00211.
gnomAD v4.1: 560 of 1,611,778 alleles (0.035%); highest among the groups gnomAD compares: African/African-American, 0.71%; 1 homozygote.

Submissions (5):

Labcorp Genetics (formerly Invitae), Labcorp
Classification: Benign for Charcot-Marie-Tooth disease dominant intermediate E; Focal segmental glomerulosclerosis 5. Last evaluated: 2026-01-04. Review status: criteria provided, single submitter. Criteria: Invitae Variant Classification Sherloc (09022015). Collection method: clinical testing. Allele origin: germline.

Mayo Clinic Laboratories, Mayo Clinic
Classification: Benign. Last evaluated: 2025-09-09. Review status: criteria provided, single submitter. Criteria: ACMG Guidelines, 2015. Collection method: clinical testing. Allele origin: germline. Observed: 6 variant alleles.
Comment: BA1, BP4, BP7

ARUP Laboratories, Molecular Genetics and Genomics, ARUP Laboratories
Classification: Benign. Last evaluated: 2021-09-27. Review status: criteria provided, single submitter. Criteria: ARUP Molecular Germline Variant Investigation Process 2021. Collection method: clinical testing. Allele origin: germline.

Fulgent Genetics
Classification: Benign for Focal segmental glomerulosclerosis 5; Charcot-Marie-Tooth disease dominant intermediate E. Last evaluated: 2021-09-27. Review status: criteria provided, single submitter. Criteria: ACMG Guidelines, 2015. Collection method: clinical testing. Allele origin: unknown.

PreventionGenetics, part of Exact Sciences
Classification: Benign for INF2-related condition. Last evaluated: 2019-12-18. Review status: no assertion criteria provided. Collection method: clinical testing. Allele origin: germline. Not counted in ClinVar's aggregate classification.
Comment: This variant is classified as benign based on ACMG/AMP sequence variant interpretation guidelines (Richards et al. 2015 PMID: 25741868, with internal and published modifications).

NM_022489.4(INF2):c.2138+9G>A

Gene: INF2 (inverted formin 2; plus strand). Cytogenetic location: 14q32.33.
Variant type: single nucleotide variant.
Coding change: c.2138+9G>A on transcript NM_022489.4 (MANE Select); 9 bases into the intron after coding-DNA position 2138, G replaced by A.
Molecular consequence: intron variant.
Genome position (GRCh38, 1-based): chr14:104,709,714, G>A. VCF-style: chr14-104709714-G-A. GRCh37 (hg19) VCF-style: chr14-105176051-G-A.
Other names: p.?; c.2138+9G>A (NM_001031714.4).
Identifiers: ClinVar variation 540077 (VCV000540077.60), dbSNP rs201065953, ClinGen allele CA7372831.